The following is an entry in ClinVar:

NM_024675.4(PALB2):c.3343G>C (p.Ala1115Pro)

Gene: PALB2 (partner and localizer of BRCA2; minus strand). Cytogenetic location: 16p12.2.
Variant type: single nucleotide variant.
Coding change: c.3343G>C on transcript NM_024675.4 (MANE Select); coding-DNA position 3343, G replaced by C.
Protein change: p.Ala1115Pro; replaces alanine 1115 with proline.
Molecular consequence: missense variant.
Genome position (GRCh38, 1-based): chr16:23,607,871, C>G on the plus strand (G>C on the coding strand, the complement: PALB2 is on the minus strand). VCF-style: chr16-23607871-C-G. GRCh37 (hg19) VCF-style: chr16-23619192-C-G.
Other names: short protein forms A1115P.
Identifiers: ClinVar variation 629280 (VCV000629280.4), dbSNP rs1567206747, ClinGen allele CA395139259.

ClinVar aggregate classification (germline): Uncertain significance (1 of 4 stars; one submission).

Conditions:
Hereditary cancer-predisposing syndrome. Also called: Neoplastic Syndromes, Hereditary; Tumor predisposition; Hereditary neoplastic syndrome; Hereditary Cancer Syndrome. Identifiers: Orphanet 140162, MedGen C0027672, MeSH D009386, MONDO:0015356.

Submission:

Color Diagnostics, LLC DBA Color Health
Classification: Uncertain significance for Hereditary cancer-predisposing syndrome. Last evaluated: 2023-12-04. Review status: criteria provided, single submitter. Criteria: ACMG Guidelines, 2015. Collection method: clinical testing. Allele origin: germline.
Comment: This missense variant replaces alanine with proline at codon 1115 of the PALB2 protein. Computational prediction suggests that this variant may not impact protein structure and function (internally defined REVEL score threshold <= 0.5, PMID: 27666373). To our knowledge, functional studies have not been reported for this variant. This variant has not been reported in individuals affected with PALB2-related disorders in the literature. This variant has not been identified in the general population by the Genome Aggregation Database (gnomAD). The available evidence is insufficient to determine the role of this variant in disease conclusively. Therefore, this variant is classified as a Variant of Uncertain Significance.